The following is an entry in ClinVar:

NM_053013.4(ENO3):c.85+4A>T

Gene: ENO3 (enolase 3; plus strand). Cytogenetic location: 17p13.2.
Variant type: single nucleotide variant.
Coding change: c.85+4A>T on transcript NM_053013.4 (MANE Select); 4 bases into the intron after coding-DNA position 85, A replaced by T.
Molecular consequence: intron variant.
Genome position (GRCh38, 1-based): chr17:4,951,918, A>T. VCF-style: chr17-4951918-A-T. GRCh37 (hg19) VCF-style: chr17-4855213-A-T.
Other names: c.112+4A>T (NM_001374524.1); c.85+4A>T (NM_001976.5, NM_001374523.1, NM_001193503.2).
Identifiers: ClinVar variation 1964077 (VCV001964077.5), dbSNP rs2507702641, ClinGen allele CA2580093517.
Genomic context (GRCh38, chr17:4,951,918, plus strand): 5'-AAATCTTGGACTCCAGGGGCAACCCCACGGTGGAGGTGGACCTGCACACGGCCAAGGGTA[A>T]CACAAGGCCCATTGGATAGGCTCGCCTCCGAAGACCCCAACCCTTTGGCCTTTGCCCCCC-3'

ClinVar aggregate classification (germline): Uncertain significance (1 of 4 stars; one submission).

Conditions:
Glycogen storage disease due to muscle beta-enolase deficiency (GSD13). Also called: Glycogen Storage Disease Type XIII; ENOLASE 3 DEFICIENCY; ENOLASE-BETA DEFICIENCY; GSD XIII. Identifiers: Orphanet 99849, MedGen C2752027, MONDO:0013046, OMIM 612932.

Submission:

Labcorp Genetics (formerly Invitae), Labcorp
Classification: Uncertain significance for Glycogen storage disease due to muscle beta-enolase deficiency. Last evaluated: 2022-07-29. Review status: criteria provided, single submitter. Criteria: Invitae Variant Classification Sherloc (09022015). Collection method: clinical testing. Allele origin: germline.
Comment: This sequence change falls in intron 2 of the ENO3 gene. It does not directly change the encoded amino acid sequence of the ENO3 protein. It affects a nucleotide within the consensus splice site. This variant is not present in population databases (gnomAD no frequency). This variant has not been reported in the literature in individuals affected with ENO3-related conditions. Variants that disrupt the consensus splice site are a relatively common cause of aberrant splicing (PMID: 17576681, 9536098). Algorithms developed to predict the effect of sequence changes on RNA splicing suggest that this variant is not likely to affect RNA splicing. In summary, the available evidence is currently insufficient to determine the role of this variant in disease. Therefore, it has been classified as a Variant of Uncertain Significance.

Literature cited by the submitters: PubMed 17576681; PubMed 9536098.